The following is an entry in ClinVar:

NM_005816.5(CD96):c.1252A>G (p.Ser418Gly)

Gene: CD96 (CD96 molecule; plus strand). Cytogenetic location: 3q13.2.
Variant type: single nucleotide variant.
Coding change: c.1252A>G on transcript NM_005816.5 (MANE Select); coding-DNA position 1252, A replaced by G.
Protein change: p.Ser418Gly; replaces serine 418 with glycine.
Molecular consequence: missense variant. On other transcripts: non-coding transcript variant (1).
Genome position (GRCh38, 1-based): chr3:111,624,335, A>G. VCF-style: chr3-111624335-A-G. GRCh37 (hg19) VCF-style: chr3-111343182-A-G.
Other names: c.1252A>G, p.Ser418Gly (NM_001410800.1); c.1300A>G, p.Ser434Gly (NM_198196.3); short protein forms S418G, S434G.
Identifiers: ClinVar variation 4537341 (VCV004537341.1).

ClinVar aggregate classification (germline): Uncertain significance (1 of 4 stars; one submission).

gnomAD v4.1: 6 of 1,606,530 alleles (0.00037%); highest among the groups gnomAD compares: Non-Finnish European, 0.00051%; no homozygotes.

Submission:

Women's Health and Genetics/Laboratory Corporation of America, LabCorp
Classification: Uncertain significance. Last evaluated: 2025-11-18. Review status: criteria provided, single submitter. Criteria: LabCorp Variant Classification Summary - May 2015. Collection method: clinical testing. Allele origin: germline.
Comment: Variant summary: CD96 c.1300A>G (p.Ser434Gly) results in a non-conservative amino acid change in the encoded protein sequence. Algorithms developed to predict the effect of missense changes on protein structure and function are either unavailable or do not agree on the potential impact of this missense change. Consensus agreement among computation tools predict no significant impact on normal splicing. However, these predictions have yet to be confirmed by functional studies. The variant was absent in 251332 control chromosomes. The available data on variant occurrences in the general population are insufficient to allow any conclusion about variant significance. To our knowledge, no occurrence of c.1300A>G in individuals affected with CD96-related conditions and no experimental evidence demonstrating its impact on protein function have been reported. No submitters have cited clinical-significance assessments for this variant to ClinVar. Based on the evidence outlined above, the variant was classified as uncertain significance.